The following is an entry in ClinVar:

NM_001041.4(SI):c.4208_4223del (p.Asn1403fs)

Gene: SI (sucrase-isomaltase; minus strand). Cytogenetic location: 3q26.1.
Variant type: Deletion.
Coding change: c.4208_4223del on transcript NM_001041.4 (MANE Select); coding-DNA positions 4208 to 4223, 16 bases deleted (ATGGAACAACTACTAA).
Protein change: p.Asn1403fs; shifts the reading frame from asparagine 1403.
Molecular consequence: frameshift variant.
Genome position (GRCh38, 1-based): chr3:165,007,955-165,007,970, TTAGTAGTTGTTCCAT deleted on the plus strand (ATGGAACAACTACTAA on the coding strand, the reverse complement: SI is on the minus strand); deleting any 16 consecutive bases within chr3:165,007,955-165,007,973 gives the same sequence; the c. name uses the placement nearest the transcript's 3' end. VCF-style (leftmost placement, unchanged base first): chr3-165007954-ATTAGTAGTTGTTCCAT-A. GRCh37 (hg19) VCF-style: chr3-164725742-ATTAGTAGTTGTTCCAT-A.
Other names: short protein forms N1403fs.
Identifiers: ClinVar variation 2139072 (VCV002139072.5), dbSNP rs1038499768, ClinGen allele CA86501325.

ClinVar aggregate classification (germline): Pathogenic/Likely pathogenic. Review status: criteria provided, multiple submitters, no conflicts (2 of 4 stars). 2 submissions from 2 submitters: Pathogenic (1); Likely pathogenic (1). Last evaluated 2025-12-26.

Conditions:
Sucrase-isomaltase deficiency (CSID). Also called: SI DEFICIENCY; Congenital sucrose isomaltose malabsorption; Sucrose isomaltose enzyme deficiency; Deficiency of isomaltase. Identifiers: Orphanet 35122, MedGen C1283620, MONDO:0009114, OMIM 222900.

Submissions (2):

Labcorp Genetics (formerly Invitae), Labcorp
Classification: Pathogenic. Last evaluated: 2025-12-26. Review status: criteria provided, single submitter. Criteria: Invitae Variant Classification Sherloc (09022015). Collection method: clinical testing. Allele origin: germline.
Comment: This sequence change creates a premature translational stop signal (p.Asn1403Ilefs*8) in the SI gene. It is expected to result in an absent or disrupted protein product. Loss-of-function variants in SI are known to be pathogenic (PMID: 16329100, 23103650, 25452324). This variant is present in population databases (no rsID available, gnomAD 0.0009%). This variant has not been reported in the literature in individuals affected with SI-related conditions. ClinVar contains an entry for this variant (Variation ID: 2139072). For these reasons, this variant has been classified as Pathogenic.

Fulgent Genetics
Classification: Likely pathogenic for Sucrase-isomaltase deficiency. Last evaluated: 2024-03-05. Review status: criteria provided, single submitter. Criteria: ACMG Guidelines, 2015. Collection method: clinical testing. Allele origin: germline.

Literature cited by the submitters: PubMed 16329100 (cited by Labcorp Genetics (formerly Invitae), Labcorp); PubMed 23103650 (cited by Labcorp Genetics (formerly Invitae), Labcorp); PubMed 25452324 (cited by Labcorp Genetics (formerly Invitae), Labcorp).